The following is an entry in ClinVar:

NM_013382.7(POMT2):c.1116+243T>G

Gene: POMT2 (protein O-mannosyltransferase 2; minus strand). Cytogenetic location: 14q24.3.
Variant type: single nucleotide variant.
Coding change: c.1116+243T>G on transcript NM_013382.7 (MANE Select); 243 bases into the intron after coding-DNA position 1116, T replaced by G.
Molecular consequence: intron variant.
Genome position (GRCh38, 1-based): chr14:77,295,921, A>C on the plus strand (T>G on the coding strand, the complement: POMT2 is on the minus strand). VCF-style: chr14-77295921-A-C. GRCh37 (hg19) VCF-style: chr14-77762264-A-C.
Identifiers: ClinVar variation 674633 (VCV000674633.1), dbSNP rs11627257, ClinGen allele CA13965499.

ClinVar aggregate classification (germline): Benign (1 of 4 stars; one submission).

Allele frequency attached by ClinVar (database versions not stated): 1000 Genomes Project 0.21905; 1000 Genomes Project 30x 0.21190; TOPMed 0.22498.
gnomAD v4.1: 36,922 of 151,952 alleles (24%); highest among the groups gnomAD compares: East Asian, 43%; 5,547 homozygotes.

Submission:

GeneDx
Classification: Benign. Last evaluated: 2018-06-14. Review status: criteria provided, single submitter. Criteria: GeneDx Variant Classification (06012015). Collection method: clinical testing. Allele origin: germline. Affected: yes.
Comment: This variant is considered likely benign or benign based on one or more of the following criteria: it is a conservative change, it occurs at a poorly conserved position in the protein, it is predicted to be benign by multiple in silico algorithms, and/or has population frequency not consistent with disease.